The following is an entry in ClinVar:

NM_002439.5(MSH3):c.1764G>A (p.Arg588=)

Gene: MSH3 (mutS homolog 3; plus strand). Cytogenetic location: 5q14.1.
Variant type: single nucleotide variant.
Coding change: c.1764G>A on transcript NM_002439.5 (MANE Select); coding-DNA position 1764, G replaced by A.
Protein change: p.Arg588=; no amino-acid change (arginine 588 retained).
Molecular consequence: synonymous variant.
Genome position (GRCh38, 1-based): chr5:80,761,546, G>A. VCF-style: chr5-80761546-G-A. GRCh37 (hg19) VCF-style: chr5-80057365-G-A.
Identifiers: ClinVar variation 1024053 (VCV001024053.11), dbSNP rs1744033286, ClinGen allele CA445162477.
Genomic context (GRCh38, chr5:80,761,546, plus strand): 5'-AAATGTCTATATTCTGAATTCCTAACATATCTGATTATTGCTATTACTCTTTTCTCACAG[G>A]GAAATAAATGCCCGGCTTGATGCTGTATCGGAAGTTCTCCATTCAGAATCTAGTGTGTTT-3'
Protein context (NP_002430.3, residues 578-598): KWVTQPLLKL[Arg588=]EINARLDAVS

ClinVar aggregate classification (germline): Conflicting classifications of pathogenicity. Review status: criteria provided, conflicting classifications (1 of 4 stars). 2 submissions from 2 submitters: Uncertain significance (1); Likely benign (1). Last evaluated 2021-09-08.

Conditions:
Hereditary cancer-predisposing syndrome. Also called: Hereditary Cancer Syndrome; Neoplastic Syndromes, Hereditary; Tumor predisposition; Hereditary neoplastic syndrome. Identifiers: Orphanet 140162, MedGen C0027672, MeSH D009386, MONDO:0015356.

Allele frequency attached by ClinVar (database versions not stated): gnomAD exomes below 0.00001.
gnomAD v4.1: 1 of 1,613,978 alleles (0.000062%); highest among the groups gnomAD compares: East Asian, 0.0022%; no homozygotes.

Submissions (2):

Ambry Genetics
Classification: Likely benign for Hereditary cancer-predisposing syndrome. Last evaluated: 2021-09-08. Review status: criteria provided, single submitter. Criteria: Ambry Variant Classification Scheme 2023. Collection method: clinical testing. Allele origin: germline.

Labcorp Genetics (formerly Invitae), Labcorp
Classification: Uncertain significance. Last evaluated: 2020-10-02. Review status: criteria provided, single submitter. Criteria: Invitae Variant Classification Sherloc (09022015). Collection method: clinical testing. Allele origin: germline.
Comment: This variant has not been reported in the literature in individuals with MSH3-related conditions. In summary, the available evidence is currently insufficient to determine the role of this variant in disease. Therefore, it has been classified as a Variant of Uncertain Significance. Algorithms developed to predict the effect of sequence changes on RNA splicing suggest that this variant is not likely to affect RNA splicing, but this prediction has not been confirmed by published transcriptional studies. This variant is not present in population databases (ExAC no frequency). This sequence change affects codon 588 of the MSH3 mRNA. It is a 'silent' change, meaning that it does not change the encoded amino acid sequence of the MSH3 protein.